The following is an entry in ClinVar:

NM_130839.5(UBE3A):c.147G>T (p.Glu49Asp)

Genes: SNHG14 (small nucleolar RNA host gene 14; plus strand), UBE3A (ubiquitin protein ligase E3A; minus strand). Cytogenetic location: 15q11.2.
Variant type: single nucleotide variant.
Coding change: c.147G>T on transcript NM_130839.5 (MANE Select); coding-DNA position 147, G replaced by T.
Protein change: p.Glu49Asp; replaces glutamic acid 49 with aspartic acid.
Molecular consequence: missense variant. On other transcripts: 5 prime UTR variant (1), non-coding transcript variant (1).
Genome position (GRCh38, 1-based): chr15:25,375,679, C>A on the plus strand (G>T on the coding strand, the complement: UBE3A is on the minus strand). VCF-style: chr15-25375679-C-A. GRCh37 (hg19) VCF-style: chr15-25620826-C-A.
Other names: c.156G>T, p.Glu52Asp (NM_000462.5); c.147G>T, p.Glu49Asp (NM_001354505.1, NM_001354538.2, NM_001354545.2 and 1 more transcripts); c.87G>T, p.Glu29Asp (NM_001354506.2, NM_001354507.2, NM_001354508.2 and 18 more transcripts); c.-31G>T (NM_001354546.2); short protein forms E49D, E52D, E29D.
Identifiers: ClinVar variation 937339 (VCV000937339.9), dbSNP rs2081087498, ClinGen allele CA391356531.

ClinVar aggregate classification (germline): Uncertain significance (1 of 4 stars; one submission).

Conditions:
Angelman syndrome (AS). Also called: HAPPY PUPPET SYNDROME. Identifiers: Orphanet 72, MedGen C0162635, MONDO:0007113, OMIM 105830. Disease mechanism: loss of function. Inheritance: AS is caused by disruption of maternally imprinted UBE3A located within the 15q11.2-q13 Angelman syndrome/Prader-Willi syndrome (AS/PWS) region., imprinting disorder.

Submission:

Labcorp Genetics (formerly Invitae), Labcorp
Classification: Uncertain significance for Angelman syndrome. Last evaluated: 2023-10-13. Review status: criteria provided, single submitter. Criteria: Invitae Variant Classification Sherloc (09022015). Collection method: clinical testing. Allele origin: germline.
Comment: This sequence change replaces glutamic acid, which is acidic and polar, with aspartic acid, which is acidic and polar, at codon 29 of the UBE3A protein (p.Glu29Asp). This variant is not present in population databases (gnomAD no frequency). This variant has not been reported in the literature in individuals affected with UBE3A-related conditions. ClinVar contains an entry for this variant (Variation ID: 937339). Advanced modeling of protein sequence and biophysical properties (such as structural, functional, and spatial information, amino acid conservation, physicochemical variation, residue mobility, and thermodynamic stability) has been performed at Invitae for this missense variant, however the output from this modeling did not meet the statistical confidence thresholds required to predict the impact of this variant on UBE3A protein function. In summary, the available evidence is currently insufficient to determine the role of this variant in disease. Therefore, it has been classified as a Variant of Uncertain Significance.